The following is an entry in ClinVar:

NM_001256789.3(CACNA1F):c.1287G>A (p.Leu429=)

Gene: CACNA1F (calcium voltage-gated channel subunit alpha1 F; minus strand). Cytogenetic location: Xp11.23.
Variant type: single nucleotide variant.
Coding change: c.1287G>A on transcript NM_001256789.3 (MANE Select); coding-DNA position 1287, G replaced by A.
Protein change: p.Leu429=; no amino-acid change (leucine 429 retained).
Molecular consequence: synonymous variant.
Genome position (GRCh38, 1-based): chrX:49,226,692, C>T on the plus strand (G>A on the coding strand, the complement: CACNA1F is on the minus strand). VCF-style: chrX-49226692-C-T. GRCh37 (hg19) VCF-style: chrX-49083154-C-T.
Other names: c.1320G>A (NM_005183.3); c.1125G>A, p.Leu375= (NM_001256790.3); c.1320G>A, p.Leu440= (NM_005183.4).
Identifiers: ClinVar variation 1131239 (VCV001131239.11), dbSNP rs371314274, ClinGen allele CA10410902.

ClinVar aggregate classification (germline): Likely benign. Review status: criteria provided, multiple submitters, no conflicts (2 of 4 stars). 3 submissions from 3 submitters: Likely benign (3). Last evaluated 2025-03-17.

Conditions:
CACNA1F-related disorder. Also called: CACNA1F-related condition.

Allele frequency attached by ClinVar (database versions not stated): TOPMed 0.00005; gnomAD 0.00006 and 0.00005; ESP Exome Variant Server 0.00019; gnomAD exomes 0.00002 and 0.00005; ExAC 0.00005.
gnomAD v4.1: 55 of 1,175,995 alleles (0.0047%); highest among the groups gnomAD compares: Non-Finnish European, 0.0057%; no homozygotes.

Submissions (3):

Labcorp Genetics (formerly Invitae), Labcorp
Classification: Likely benign. Last evaluated: 2025-03-17. Review status: criteria provided, single submitter. Criteria: Invitae Variant Classification Sherloc (09022015). Collection method: clinical testing. Allele origin: germline.

PreventionGenetics, part of Exact Sciences
Classification: Likely benign for CACNA1F-related condition. Last evaluated: 2025-02-15. Review status: criteria provided, single submitter. Criteria: ACMG Guidelines, 2015. Collection method: clinical testing. Allele origin: germline.
Comment: This variant is classified as likely benign based on ACMG/AMP sequence variant interpretation guidelines (Richards et al. 2015 PMID: 25741868, with internal and published modifications).

Breakthrough Genomics
Classification: Likely benign. Review status: criteria provided, single submitter. Criteria: ACMG Guidelines, 2015. Collection method: not provided. Allele origin: germline. Inheritance: X-linked inheritance. Affected: yes.